The following is an entry in ClinVar:

ClinVar aggregate classification (germline): Likely pathogenic (1 of 4 stars; one submission).

Conditions:
LAMA2-related muscular dystrophy (LAMA2-RD). Also called: Laminin alpha 2-related dystrophy. Identifiers: MedGen C5679788, MONDO:0100228.

gnomAD v4.1: 1 of 1,614,112 alleles (0.000062%); highest among the groups gnomAD compares: South Asian, 0.0011%; no homozygotes.

Submission:

Women's Health and Genetics/Laboratory Corporation of America, LabCorp
Classification: Likely pathogenic for LAMA2-related muscular dystrophy. Last evaluated: 2024-11-13. Review status: criteria provided, single submitter. Criteria: LabCorp Variant Classification Summary - May 2015. Collection method: clinical testing. Allele origin: germline.
Comment: Variant summary: LAMA2 c.4311+1G>A is located in a canonical splice-site and is predicted to affect mRNA splicing resulting in a significantly altered protein due to either exon skipping, shortening, or inclusion of intronic material. Variants that disrupt the consensus splice site are a relatively common cause of aberrant splicing and loss of LAMA2 function. Several computational tools predict a significant impact on normal splicing: Four predict the variant abolishes a 5' splicing donor site. However, these predictions have yet to be confirmed by functional studies. The variant was absent in 251146 control chromosomes (gnomAD). c.4311+1G>A has been reported in the literature in at least an individual affected with laminin alpha 2-related dystrophy (example: Quijano-Roy_2022). To our knowledge, no experimental evidence demonstrating an impact on protein function has been reported. The following publication has been ascertained in the context of this evaluation (PMID: 34559299). No submitters have cited clinical-significance assessments for this variant to ClinVar. Based on the evidence outlined above, the variant was classified as likely pathogenic.

Literature cited by the submitters: PubMed 34559299.

NM_000426.4(LAMA2):c.4311+1G>A

Gene: LAMA2 (laminin subunit alpha 2; plus strand). Cytogenetic location: 6q22.33.
Variant type: single nucleotide variant.
Coding change: c.4311+1G>A on transcript NM_000426.4 (MANE Select); the canonical splice donor site of the intron after coding-DNA position 4311, G replaced by A.
Molecular consequence: splice donor variant.
Genome position (GRCh38, 1-based): chr6:129,328,413, G>A. VCF-style: chr6-129328413-G-A. GRCh37 (hg19) VCF-style: chr6-129649558-G-A.
Other names: c.4311+1G>A (NM_001079823.2).
Identifiers: ClinVar variation 3629654 (VCV003629654.1).